The following is an entry in ClinVar:

ClinVar aggregate classification (germline): Pathogenic. Review status: criteria provided, multiple submitters, no conflicts (2 of 4 stars). 2 submissions from 2 submitters: Pathogenic (2). Last evaluated 2021-07-16.

Conditions:
Hereditary cancer-predisposing syndrome. Also called: Hereditary neoplastic syndrome; Neoplastic Syndromes, Hereditary; Hereditary Cancer Syndrome; Tumor predisposition. Identifiers: Orphanet 140162, MedGen C0027672, MeSH D009386, MONDO:0015356.
Tuberous sclerosis 2 (TSC2). Identifiers: Orphanet 805, MedGen C1860707, MONDO:0013199, OMIM 613254.

Submissions (2):

Ambry Genetics
Classification: Pathogenic for Hereditary cancer-predisposing syndrome. Last evaluated: 2021-07-16. Review status: criteria provided, single submitter. Criteria: Ambry Variant Classification Scheme 2023. Collection method: clinical testing. Allele origin: germline.
Comment: The c.1358_1359delinsAA pathogenic mutation (also known as p.F453*), located in coding exon 12 of the TSC2 gene, results from an in-frame deletion of TC and insertion of AA at nucleotide positions 1358 to 1359. This results in the creation of a stop codon at codon 453. This alteration is expected to result in loss of function by premature protein truncation or nonsense-mediated mRNA decay. As such, this alteration is interpreted as a disease-causing mutation.

Labcorp Genetics (formerly Invitae), Labcorp
Classification: Pathogenic for Tuberous sclerosis 2. Last evaluated: 2021-06-13. Review status: criteria provided, single submitter. Criteria: Invitae Variant Classification Sherloc (09022015). Collection method: clinical testing. Allele origin: germline.
Comment: For these reasons, this variant has been classified as Pathogenic. This variant has not been reported in the literature in individuals with TSC2-related conditions. The frequency data for this variant in the population databases is not available, as this variant may be reported as separate entries in the ExAC database. This sequence change creates a premature translational stop signal (p.Phe453*) in the TSC2 gene. It is expected to result in an absent or disrupted protein product. Loss-of-function variants in TSC2 are known to be pathogenic (PMID: 10205261, 17304050).

Literature cited by the submitters: PubMed 10205261 (cited by Labcorp Genetics (formerly Invitae), Labcorp); PubMed 17304050 (cited by Labcorp Genetics (formerly Invitae), Labcorp).

NM_000548.5(TSC2):c.1358_1359delinsAA (p.Phe453Ter)

Gene: TSC2 (TSC complex subunit 2; plus strand). Cytogenetic location: 16p13.3.
Variant type: Indel.
Coding change: c.1358_1359delinsAA on transcript NM_000548.5 (MANE Select); coding-DNA positions 1358 to 1359, TC replaced by AA.
Protein change: p.Phe453Ter; replaces phenylalanine 453 with a stop codon.
Molecular consequence: nonsense.
Genome position (GRCh38, 1-based): chr16:2,062,597-2,062,598, TC replaced by AA. VCF-style: chr16-2062597-TC-AA. GRCh37 (hg19) VCF-style: chr16-2112598-TC-AA.
Other names: c.1358_1359delinsAA, p.Phe453Ter (NM_001077183.3, NM_001114382.3, NM_001363528.2 and 3 more transcripts); c.1247_1248delinsAA, p.Phe416Ter (NM_001318827.2); c.1211_1212delinsAA, p.Phe404Ter (NM_001318829.2); c.758_759delinsAA, p.Phe253Ter (NM_001318831.2); c.1391_1392delinsAA, p.Phe464Ter (NM_001318832.2); short protein forms F404*, F253*, F416*, F453*, F464*.
Identifiers: ClinVar variation 1397684 (VCV001397684.8), dbSNP rs2151165414, ClinGen allele CA2573151614.